The following is an entry in ClinVar:

NM_006502.3(POLH):c.*371A>G

Gene: POLH (DNA polymerase eta; plus strand). Cytogenetic location: 6p21.1.
Variant type: single nucleotide variant.
Coding change: c.*371A>G on transcript NM_006502.3 (MANE Select); 371 bases downstream of the stop codon, A replaced by G.
Molecular consequence: 3 prime UTR variant.
Genome position (GRCh38, 1-based): chr6:43,614,928, A>G. VCF-style: chr6-43614928-A-G. GRCh37 (hg19) VCF-style: chr6-43582665-A-G.
Other names: c.*371A>G (NM_001291969.2); c.*1197A>G (NM_001291970.2).
Identifiers: ClinVar variation 356919 (VCV000356919.7), dbSNP rs59061501, ClinGen allele CA10624000.

ClinVar aggregate classification (germline): Benign (1 of 4 stars; one submission).

Conditions:
Xeroderma pigmentosum variant type. Also called: POLH-Related Xeroderma Pigmentosum; PHOTOSENSITIVITY WITH DEFECTIVE DNA SYNTHESIS; XERODERMA PIGMENTOSUM WITH NORMAL DNA REPAIR RATES. Identifiers: Orphanet 90342, MedGen C1848410, MONDO:0010214, OMIM 278750.

Allele frequency attached by ClinVar (database versions not stated): gnomAD exomes 0.00066; gnomAD 0.00692 and 0.00736; TOPMed 0.00815; 1000 Genomes Project 0.00919; 1000 Genomes Project 30x 0.00921.
gnomAD v4.1: 1,091 of 225,610 alleles (0.48%); highest among the groups gnomAD compares: African/African-American, 2.4%; 20 homozygotes.

Submission:

Illumina Laboratory Services, Illumina
Classification: Benign for Xeroderma pigmentosum variant type. Last evaluated: 2018-01-13. Review status: criteria provided, single submitter. Criteria: ICSL Variant Classification Criteria 13 December 2019. Collection method: clinical testing. Allele origin: germline.
Comment: This variant was observed in the ICSL laboratory as part of a predisposition screen in an ostensibly healthy population. It had not been previously curated by ICSL or reported in the Human Gene Mutation Database (HGMD: prior to June 1st, 2018), and was therefore a candidate for classification through an automated scoring system. Utilizing variant allele frequency, disease prevalence and penetrance estimates, and inheritance mode, an automated score was calculated to assess if this variant is too frequent to cause the disease. Based on the score and internal cut-off values, a variant classified as benign is not then subjected to further curation. The score for this variant resulted in a classification of benign for this disease.